The following is an entry in ClinVar:

NM_001127208.3(TET2):c.569C>T (p.Ala190Val)

Genes: TET2 (tet methylcytosine dioxygenase 2; plus strand), TET2-AS1 (TET2 antisense RNA 1; minus strand). Cytogenetic location: 4q24.
Variant type: single nucleotide variant.
Coding change: c.569C>T on transcript NM_001127208.3 (MANE Select); coding-DNA position 569, C replaced by T.
Protein change: p.Ala190Val; replaces alanine 190 with valine.
Molecular consequence: missense variant.
Genome position (GRCh38, 1-based): chr4:105,234,511, C>T. VCF-style: chr4-105234511-C-T. GRCh37 (hg19) VCF-style: chr4-106155668-C-T.
Other names: c.569C>T, p.Ala190Val (NM_017628.4); short protein forms A190V.
Identifiers: ClinVar variation 4843481 (VCV004843481.1).

ClinVar aggregate classification (germline): Uncertain significance (1 of 4 stars; one submission).

Submission:

Ambry Genetics
Classification: Uncertain significance. Last evaluated: 2025-12-20. Review status: criteria provided, single submitter. Criteria: Ambry Variant Classification Scheme 2023. Collection method: clinical testing. Allele origin: germline.
Comment: The p.A190V variant (also known as c.569C>T), located in coding exon 1 of the TET2 gene, results from a C to T substitution at nucleotide position 569. The alanine at codon 190 is replaced by valine, an amino acid with similar properties. This amino acid position is conserved. In addition, this alteration is predicted to be tolerated by in silico analysis. Based on the available evidence, the clinical significance of this variant remains unclear.